The following is an entry in ClinVar:

ClinVar aggregate classification (germline): Benign/Likely benign. Review status: criteria provided, multiple submitters, no conflicts (2 of 4 stars). 6 submissions from 6 submitters: Benign (1); Likely benign (4). 1 of the submissions does not count toward it. Last evaluated 2026-01-20.

Conditions:
TRIOBP-related disorder. Also called: TRIOBP-related condition.
Autosomal recessive nonsyndromic hearing loss 28. Identifiers: Orphanet 90636, MedGen C1853276, MONDO:0012355, OMIM 609823.

Allele frequency attached by ClinVar (database versions not stated): ESP Exome Variant Server 0.00033; 1000 Genomes Project 0.00040; 1000 Genomes Project 30x 0.00047; TOPMed 0.00047; gnomAD 0.00053 and 0.00054; gnomAD exomes 0.00054 and 0.00113; ExAC 0.00090.
gnomAD v4.1: 903 of 1,613,730 alleles (0.056%); highest among the groups gnomAD compares: East Asian, 0.63%; 2 homozygotes.

Submissions (6):

Labcorp Genetics (formerly Invitae), Labcorp
Classification: Benign. Last evaluated: 2026-01-20. Review status: criteria provided, single submitter. Criteria: Invitae Variant Classification Sherloc (09022015). Collection method: clinical testing. Allele origin: germline.

Blueprint Genetics
Classification: Likely benign. Last evaluated: 2024-11-19. Review status: criteria provided, single submitter. Criteria: ACMG Guidelines, 2015. Collection method: clinical testing. Allele origin: germline.

GeneDx
Classification: Likely benign. Last evaluated: 2020-09-15. Review status: criteria provided, single submitter. Criteria: GeneDx Variant Classification Process June 2021. Collection method: clinical testing. Allele origin: germline. Affected: yes.

Department of Pathology and Laboratory Medicine, Sinai Health System
Classification: Likely benign for Autosomal recessive nonsyndromic hearing loss 28. Last evaluated: 2020-08-16. Review status: criteria provided, single submitter. Criteria: ACMG Guidelines, 2015. Collection method: research. Allele origin: germline.

Breakthrough Genomics
Classification: Likely benign. Review status: criteria provided, single submitter. Criteria: ACMG Guidelines, 2015. Collection method: not provided. Allele origin: germline. Inheritance: Autosomal recessive inheritance. Affected: yes.

PreventionGenetics, part of Exact Sciences
Classification: Benign for TRIOBP-related condition. Last evaluated: 2020-01-20. Review status: no assertion criteria provided. Collection method: clinical testing. Allele origin: germline. Not counted in ClinVar's aggregate classification.
Comment: This variant is classified as benign based on ACMG/AMP sequence variant interpretation guidelines (Richards et al. 2015 PMID: 25741868, with internal and published modifications).

NM_001039141.3(TRIOBP):c.965C>T (p.Ala322Val)

Gene: TRIOBP (TRIO and F-actin binding protein; plus strand). Cytogenetic location: 22q13.1.
Variant type: single nucleotide variant.
Coding change: c.965C>T on transcript NM_001039141.3 (MANE Select); coding-DNA position 965, C replaced by T.
Protein change: p.Ala322Val; replaces alanine 322 with valine.
Molecular consequence: missense variant.
Genome position (GRCh38, 1-based): chr22:37,723,521, C>T. VCF-style: chr22-37723521-C-T. GRCh37 (hg19) VCF-style: chr22-38119528-C-T.
Other names: short protein forms A322V.
Identifiers: ClinVar variation 1190098 (VCV001190098.15), dbSNP rs145588841, ClinGen allele CA10223489.
Genomic context (GRCh38, chr22:37,723,521, plus strand): 5'-CCTCATCCACCCAACAGGAAACCTCCAGGGCCTCATCCACCCAAGAGGACACCCCTAGGG[C>T]CTCATCCACCCAAGAGGACACCCCCAGGGCCTCATCTACACAGTGGAACACCCCCAGAGC-3'
Protein context (NP_001034230.1, residues 312-332): ASSTQEDTPR[Ala322Val]SSTQEDTPRA